The following is an entry in ClinVar:

ClinVar aggregate classification (germline): Uncertain significance. Review status: criteria provided, single submitter (1 of 4 stars). 2 submissions from 2 submitters: Uncertain significance (1). 1 of the submissions does not count toward it. Last evaluated 2025-02-21.

Conditions:
Alkaptonuria (AKU). Also called: Alkaptonuric ochronosis; Homogentisic acidura; Alcaptonuria; HOMOGENTISIC ACID OXIDASE DEFICIENCY. Identifiers: Orphanet 56, MedGen C0002066, MONDO:0008753, OMIM 203500.

Allele frequency attached by ClinVar (database versions not stated): gnomAD exomes below 0.00001.
gnomAD v4.1: 2 of 1,614,130 alleles (0.00012%); highest among the groups gnomAD compares: Non-Finnish European, 0.00017%; no homozygotes.

Submissions (2):

Women's Health and Genetics/Laboratory Corporation of America, LabCorp
Classification: Uncertain significance. Last evaluated: 2025-02-21. Review status: criteria provided, single submitter. Criteria: LabCorp Variant Classification Summary - May 2015. Collection method: clinical testing. Allele origin: germline.
Comment: Variant summary: HGD c.1037T>C (p.Ile346Thr) results in a non-conservative amino acid change located in the Homogentisate 1,2-dioxygenase C-terminal domain of the encoded protein sequence. Five of five in-silico tools predict a damaging effect of the variant on protein function. The variant allele was found at a frequency of 8e-06 in 251294 control chromosomes. c.1037T>C has been reported in the literature in individuals affected with Alkaptonuria (example: Ascher_2019). These data indicate that the variant may be associated with disease. To our knowledge, no experimental evidence demonstrating an impact on protein function has been reported. The following publication has been ascertained in the context of this evaluation (PMID: 30737480). ClinVar contains an entry for this variant (Variation ID: 2627730). Based on the evidence outlined above, the variant was classified as VUS-possibly pathogenic.

Department Of Human Genetics, Institute Of Clinical And Translational Research, Biomedical Research Center, Slovak Academy Of Sciences
Classification: Pathogenic for Alkaptonuria. Review status: no assertion criteria provided. Collection method: research. Allele origin: germline. Inheritance: Autosomal recessive inheritance. Affected: yes. Observed: 1 variant allele. Not counted in ClinVar's aggregate classification.
Comment: The variant was originally described in AKU patient in PMID:30737480. It has been submitted to the HGD gene mutation database (DB-ID: AKU_00183).

Literature cited by the submitters: PubMed 30737480 (cited by Women's Health and Genetics/Laboratory Corporation of America, LabCorp and Department Of Human Genetics, Institute Of Clinical And Translational Research, Biomedical Research Center, Slovak Academy Of Sciences).

NM_000187.4(HGD):c.1037T>C (p.Ile346Thr)

Gene: HGD (homogentisate 1,2-dioxygenase; minus strand). Cytogenetic location: 3q13.33.
Variant type: single nucleotide variant.
Coding change: c.1037T>C on transcript NM_000187.4 (MANE Select); coding-DNA position 1037, T replaced by C.
Protein change: p.Ile346Thr; replaces isoleucine 346 with threonine.
Molecular consequence: missense variant.
Genome position (GRCh38, 1-based): chr3:120,633,298, A>G on the plus strand (T>C on the coding strand, the complement: HGD is on the minus strand). VCF-style: chr3-120633298-A-G. GRCh37 (hg19) VCF-style: chr3-120352145-A-G.
Other names: short protein forms I346T.
Identifiers: ClinVar variation 2627730 (VCV002627730.2), dbSNP rs1299204471, ClinGen allele CA354072968.
Genomic context (GRCh38, chr3:120,633,298, plus strand): 5'-CTGTGTAGACTCCCTCCCCCTGGCAGGAACCCACCTTGCTTTGCCTCATAGTGACCTCGG[A>G]TGAGTCCCATGAACTCACTCATGCAGTTCCCTGGGAAGGTTGAAGCAGTATTATTTTTAT-3'
Protein context (NP_000178.2, residues 336-356): RNCMSEFMGL[Ile346Thr]RGHYEAKQGG